The following is an entry in ClinVar:

ClinVar aggregate classification (germline): Likely benign (0 of 4 stars; one submission).

Conditions:
UNC13A-related disorder. Also called: UNC13A-related condition.

Allele frequency attached by ClinVar (database versions not stated): gnomAD 0.00001; TOPMed 0.00003.
gnomAD v4.1: 10 of 1,560,848 alleles (0.00064%); highest among the groups gnomAD compares: Non-Finnish European, 0.00078%; no homozygotes.

Submission:

PreventionGenetics, part of Exact Sciences
Classification: Likely benign for UNC13A-related condition. Last evaluated: 2023-11-27. Review status: no assertion criteria provided. Collection method: clinical testing. Allele origin: germline.
Comment: This variant is classified as likely benign based on ACMG/AMP sequence variant interpretation guidelines (Richards et al. 2015 PMID: 25741868, with internal and published modifications).

NM_001080421.3(UNC13A):c.3526-8C>G

Gene: UNC13A (unc-13 homolog A; minus strand). Cytogenetic location: 19p13.11.
Variant type: single nucleotide variant.
Coding change: c.3526-8C>G on transcript NM_001080421.3 (MANE Select); 8 bases into the intron before coding-DNA position 3526, C replaced by G.
Molecular consequence: intron variant.
Genome position (GRCh38, 1-based): chr19:17,630,296, G>C on the plus strand (C>G on the coding strand, the complement: UNC13A is on the minus strand). VCF-style: chr19-17630296-G-C. GRCh37 (hg19) VCF-style: chr19-17741105-G-C.
Other names: c.3520-8C>G (NM_001387022.1, NM_001387023.1, NM_001387021.1).
Identifiers: ClinVar variation 3042552 (VCV003042552.2), dbSNP rs775221860, ClinGen allele CA9297960.
Genomic context (GRCh38, chr19:17,630,296, plus strand): 5'-AAAACATCCACCACGGAGCAGGAGAATAGGGCATGCTCTGAGGTCTGCTGGAACTGCAGG[G>C]GGAAGGAGGCCAAGAGGAAGGAGGAGATCAGCACCAGAGAATCCCTAGAGCCCAACTCTC-3'